The following is an entry in ClinVar:

ClinVar aggregate classification (germline): Pathogenic (1 of 4 stars; one submission).

Conditions:
Cardiovascular phenotype. Identifiers: MedGen CN230736.
Hereditary cancer-predisposing syndrome. Also called: Neoplastic Syndromes, Hereditary; Tumor predisposition; Hereditary Cancer Syndrome; Hereditary neoplastic syndrome. Identifiers: Orphanet 140162, MedGen C0027672, MeSH D009386, MONDO:0015356.

Submission:

Ambry Genetics
Classification: Pathogenic for Cardiovascular phenotype; Hereditary cancer-predisposing syndrome. Last evaluated: 2025-10-30. Review status: criteria provided, single submitter. Criteria: Ambry Variant Classification Scheme 2023. Collection method: clinical testing. Allele origin: germline.
Comment: The c.1720delA pathogenic mutation, located in coding exon 15 of the NF1 gene, results from a deletion of one nucleotide at nucleotide position 1720, causing a translational frameshift with a predicted alternate stop codon (p.S574Afs*12). This variant is considered to be rare based on population cohorts in the Genome Aggregation Database (gnomAD). This alteration is expected to result in loss of function by premature protein truncation or nonsense-mediated mRNA decay. As such, this alteration is interpreted as a disease-causing mutation.

NM_001042492.3(NF1):c.1720del (p.Ser574fs)

Gene: NF1 (neurofibromin 1; plus strand). Cytogenetic location: 17q11.2.
Variant type: Deletion.
Coding change: c.1720del on transcript NM_001042492.3 (MANE Select); coding-DNA position 1720, one base deleted (A; older notation c.1720delA).
Protein change: p.Ser574fs; shifts the reading frame from serine 574.
Molecular consequence: frameshift variant.
Genome position (GRCh38, 1-based): chr17:31,221,928, A deleted. VCF-style (leftmost placement, unchanged base first): chr17-31221927-TA-T. GRCh37 (hg19) VCF-style: chr17-29548945-TA-T.
Other names: c.1720del, p.Ser574fs (NM_000267.4); c.1720del, p.Arg574fs (NM_001128147.3); short protein forms R574fs, S574fs.
Identifiers: ClinVar variation 4615777 (VCV004615777.1).
Genomic context (GRCh38, chr17:31,221,927, plus strand): 5'-TCAGTTAGATAGCATTGATTTGTGGAATCCTGATGCTCCTGTAGAAACATTTTGGGAGAT[TA>T]GGTATATGTACTTTTATTTTTTAAATTCAACTTTTAAATTTTATTTTGTATTTTTGTCTT-3'